The following is an entry in ClinVar:

NM_001144967.3(NEDD4L):c.1073C>G (p.Ala358Gly)

Gene: NEDD4L (NEDD4 like E3 ubiquitin protein ligase; plus strand). Cytogenetic location: 18q21.31.
Variant type: single nucleotide variant.
Coding change: c.1073C>G on transcript NM_001144967.3 (MANE Select); coding-DNA position 1073, C replaced by G.
Protein change: p.Ala358Gly; replaces alanine 358 with glycine.
Molecular consequence: missense variant. On other transcripts: intron variant (5).
Genome position (GRCh38, 1-based): chr18:58,335,485, C>G. VCF-style: chr18-58335485-C-G. GRCh37 (hg19) VCF-style: chr18-56002717-C-G.
Other names: c.710C>G, p.Ala237Gly (NM_001144964.1, NM_001144965.2, NM_001144966.3); c.1049C>G, p.Ala350Gly (NM_001144968.2); c.1065+1593C>G (NM_015277.6, NM_001243960.2); c.702+1593C>G (NM_001144971.2, NM_001144970.3); c.1041+1593C>G (NM_001144969.2); short protein forms A237G, A350G, A358G.
Identifiers: ClinVar variation 2648763 (VCV002648763.24), dbSNP rs2041620396, ClinGen allele CA402558425.
Genomic context (GRCh38, chr18:58,335,485, plus strand): 5'-AGCAGGGGGTCATCCCCTAAGTGCATTTCACTGATGTAAATTATCATTCACAGCCCAGTG[C>G]CCCAGCTGGGAGAGCGCGTTCATCAACTGTCACGGGTGGTGAGGAACCAACGGTAATGAT-3'
Protein context (NP_001138439.1, residues 348-368): AEQGHLPPPS[Ala358Gly]PAGRARSSTV

ClinVar aggregate classification (germline): Uncertain significance (1 of 4 stars; one submission).

Allele frequency attached by ClinVar (database versions not stated): TOPMed below 0.00001; gnomAD 0.00001.
gnomAD v4.1: 1 of 1,613,118 alleles (0.000062%); highest among the groups gnomAD compares: Non-Finnish European, 0.000085%; no homozygotes.

Submission:

CeGaT Center for Human Genetics Tuebingen
Classification: Uncertain significance. Last evaluated: 2023-01-01. Review status: criteria provided, single submitter. Criteria: CeGaT Center For Human Genetics Tuebingen Variant Classification Criteria Version 2. Collection method: clinical testing. Allele origin: germline. Affected: yes. Observed: 1 variant allele.
Comment: NEDD4L: PM2, BP4